The following is an entry in ClinVar:

NM_032119.4(ADGRV1):c.15G>C (p.Leu5=)

Genes: ADGRV1 (adhesion G protein-coupled receptor V1; plus strand), LOC129994205 (ATAC-STARR-seq lymphoblastoid silent region 16170; plus strand). Cytogenetic location: 5q14.3.
Variant type: single nucleotide variant.
Coding change: c.15G>C on transcript NM_032119.4 (MANE Select); coding-DNA position 15, G replaced by C.
Protein change: p.Leu5=; no amino-acid change (leucine 5 retained).
Molecular consequence: synonymous variant. On other transcripts: non-coding transcript variant (1).
Genome position (GRCh38, 1-based): chr5:90,558,910, G>C. VCF-style: chr5-90558910-G-C. GRCh37 (hg19) VCF-style: chr5-89854727-G-C.
Identifiers: ClinVar variation 506131 (VCV000506131.4), dbSNP rs973537840, ClinGen allele CA121775928.

ClinVar aggregate classification (germline): Likely benign (1 of 4 stars; one submission).

Submission:

Laboratory for Molecular Medicine, Mass General Brigham Personalized Medicine
Classification: Likely benign. Last evaluated: 2017-09-14. Review status: criteria provided, single submitter. Criteria: LMM Criteria. Collection method: clinical testing. Allele origin: germline. Observed: 1 variant allele.
Comment: p.Leu5Leu in exon 1 of GPR98: This variant is not expected to have clinical sign ificance because it does not alter an amino acid residue and is not located with in the splice consensus sequence.